The following is an entry in ClinVar:

NM_021830.5(TWNK):c.1076C>T (p.Ala359Val)

Gene: TWNK (twinkle mtDNA helicase; plus strand). Cytogenetic location: 10q24.31.
Variant type: single nucleotide variant.
Coding change: c.1076C>T on transcript NM_021830.5 (MANE Select); coding-DNA position 1076, C replaced by T.
Protein change: p.Ala359Val; replaces alanine 359 with valine.
Molecular consequence: missense variant. On other transcripts: non-coding transcript variant (4), intron variant (3).
Genome position (GRCh38, 1-based): chr10:100,989,286, C>T. VCF-style: chr10-100989286-C-T. GRCh37 (hg19) VCF-style: chr10-102749043-C-T.
Other names: c.1076C>T, p.Ala359Val (NM_001163812.2); c.-119-358C>T (NM_001163814.2, NM_001163813.2); c.-57-420C>T (NM_001368275.1); short protein forms A359V.
Identifiers: ClinVar variation 2098707 (VCV002098707.4), dbSNP rs374391687, ClinGen allele CA5653161.
Genomic context (GRCh38, chr10:100,989,286, plus strand): 5'-AACCCCGTCCCCTGGAGGCCCTGAACGGAGGCTTCAATCTTTCTCGTATTCTTCGTACCG[C>T]CCTGCCTGCCTGGCACAAGTCCATCGTATCTTTCCGGCAGCTTCGGGAGGAGGTGCTAGG-3'
Protein context (NP_068602.2, residues 349-369): GFNLSRILRT[Ala359Val]LPAWHKSIVS

ClinVar aggregate classification (germline): Likely pathogenic (1 of 4 stars; one submission).

Allele frequency attached by ClinVar (database versions not stated): ExAC 0.00001; ESP Exome Variant Server 0.00008.

Submission:

Labcorp Genetics (formerly Invitae), Labcorp
Classification: Likely pathogenic. Last evaluated: 2022-09-05. Review status: criteria provided, single submitter. Criteria: Invitae Variant Classification Sherloc (09022015). Collection method: clinical testing. Allele origin: germline.
Comment: In summary, the currently available evidence indicates that the variant is pathogenic, but additional data are needed to prove that conclusively. Therefore, this variant has been classified as Likely Pathogenic. This variant disrupts the p.Ala359 amino acid residue in TWNK. Other variant(s) that disrupt this residue have been determined to be pathogenic (PMID: 11431692, 17272269, 18971204, 20479361, 20659899, 24076137). This suggests that this residue is clinically significant, and that variants that disrupt this residue are likely to be disease-causing. Advanced modeling of protein sequence and biophysical properties (such as structural, functional, and spatial information, amino acid conservation, physicochemical variation, residue mobility, and thermodynamic stability) performed at Invitae indicates that this missense variant is expected to disrupt TWNK protein function. This variant has not been reported in the literature in individuals affected with TWNK-related conditions. This variant is present in population databases (rs374391687, gnomAD 0.007%). This sequence change replaces alanine, which is neutral and non-polar, with valine, which is neutral and non-polar, at codon 359 of the TWNK protein (p.Ala359Val).

Literature cited by the submitters: PubMed 11431692; PubMed 17272269; PubMed 18971204; PubMed 20479361; PubMed 20659899; PubMed 24076137.